The following is an entry in ClinVar:

ClinVar aggregate classification (germline): Likely benign. Review status: criteria provided, multiple submitters, no conflicts (2 of 4 stars). 3 submissions from 3 submitters: Likely benign (3). Last evaluated 2025-10-13.

Conditions:
Neuropathy, hereditary sensory and autonomic, type 2A (HSAN2A). Also called: ACROOSTEOLYSIS, GIACCAI TYPE; ACROOSTEOLYSIS, NEUROGENIC; HSAN IIA; WNK1-Related HSAN2 (HSAN2A); MORVAN DISEASE; NEUROPATHY, CONGENITAL SENSORY. Identifiers: Orphanet 970, MedGen C2752089, MONDO:0024309, OMIM 201300.
Generalized epilepsy with febrile seizures plus, type 7 (GEFSP7). Also called: GEFS+, TYPE 7. Identifiers: Orphanet 36387, MedGen C2751778, MONDO:0013470, OMIM 613863.

Allele frequency attached by ClinVar (database versions not stated): gnomAD exomes below 0.00001 and 0.00002; gnomAD 0.00001.
gnomAD v4.1: 35 of 1,613,146 alleles (0.0022%); highest among the groups gnomAD compares: Non-Finnish European, 0.0025%; no homozygotes.

Submissions (3):

Women's Health and Genetics/Laboratory Corporation of America, LabCorp
Classification: Likely benign. Last evaluated: 2025-10-13. Review status: criteria provided, single submitter. Criteria: LabCorp Variant Classification Summary - May 2015. Collection method: clinical testing. Allele origin: germline.

Labcorp Genetics (formerly Invitae), Labcorp
Classification: Likely benign for Neuropathy, hereditary sensory and autonomic, type 2A; Generalized epilepsy with febrile seizures plus, type 7. Last evaluated: 2023-08-17. Review status: criteria provided, single submitter. Criteria: Invitae Variant Classification Sherloc (09022015). Collection method: clinical testing. Allele origin: germline.

CeGaT Center for Human Genetics Tuebingen
Classification: Likely benign. Last evaluated: 2022-03-01. Review status: criteria provided, single submitter. Criteria: CeGaT Center For Human Genetics Tuebingen Variant Classification Criteria Version 2. Collection method: clinical testing. Allele origin: germline. Affected: yes. Observed: 1 variant allele.
Comment: SCN9A: BP4, BP7

NM_001365536.1(SCN9A):c.2052C>T (p.Asn684=)

Genes: SCN1A-AS1 (SCN1A and SCN9A antisense RNA 1; plus strand), SCN9A (sodium voltage-gated channel alpha subunit 9; minus strand). Cytogenetic location: 2q24.3.
Variant type: single nucleotide variant.
Coding change: c.2052C>T on transcript NM_001365536.1 (MANE Select); coding-DNA position 2052, C replaced by T.
Protein change: p.Asn684=; no amino-acid change (asparagine 684 retained).
Molecular consequence: synonymous variant.
Genome position (GRCh38, 1-based): chr2:166,281,731, G>A on the plus strand (C>T on the coding strand, the complement: SCN9A is on the minus strand). VCF-style: chr2-166281731-G-A. GRCh37 (hg19) VCF-style: chr2-167138241-G-A.
Other names: c.2019C>T, p.Asn673= (NM_002977.4).
Identifiers: ClinVar variation 1121020 (VCV001121020.33), dbSNP rs199668507, ClinGen allele CA59797655.
Genomic context (GRCh38, chr2:166,281,731, plus strand): 5'-TTACATACCTTCCACAGTGTTTGTTAATATGCTTGCTCTACTCATTGCTCTCTGTCTGAG[G>A]TTGGGATCATTCAGCATATCCTCTGAAAGGAGATAGGAACTACAACGCCTTTTCTTGTGT-3'
Protein context (NP_001352465.1, residues 674-694): LLSEDMLNDP[Asn684=]LRQRAMSRAS